The following is an entry in ClinVar:

NM_003334.4(UBA1):c.2897A>C (p.Asn966Thr)

Gene: UBA1 (ubiquitin like modifier activating enzyme 1; plus strand). Cytogenetic location: Xp11.3.
Variant type: single nucleotide variant.
Coding change: c.2897A>C on transcript NM_003334.4 (MANE Select); coding-DNA position 2897, A replaced by C.
Protein change: p.Asn966Thr; replaces asparagine 966 with threonine.
Molecular consequence: missense variant.
Genome position (GRCh38, 1-based): chrX:47,214,385, A>C. VCF-style: chrX-47214385-A-C. GRCh37 (hg19) VCF-style: chrX-47073784-A-C.
Other names: c.2897A>C, p.Asn966Thr (NM_153280.3); short protein forms N966T.
Identifiers: ClinVar variation 2585133 (VCV002585133.1), dbSNP rs2521687064, ClinGen allele CA412811542.
Genomic context (GRCh38, chrX:47,214,385, plus strand): 5'-AGTACTATAACCAAGAGTGGACATTGTGGGATCGCTTTGAGGTACAAGGGCTGCAGCCTA[A>C]TGGTGAGGAGATGACCCTCAAACAGTTCCTCGACTATTTTAAGGTAAGGCCCCTCCCTTA-3'
Protein context (NP_003325.2, residues 956-976): DRFEVQGLQP[Asn966Thr]GEEMTLKQFL

ClinVar aggregate classification (germline): Uncertain significance (1 of 4 stars; one submission).

Conditions:
Infantile-onset X-linked spinal muscular atrophy. Also called: Spinal Muscular Atrophy, X-Linked Infantile; SPINAL MUSCULAR ATROPHY, X-LINKED LETHAL INFANTILE; Spinal muscular atrophy, X-linked 2; AMC, DISTAL, X-LINKED; ARTHROGRYPOSIS, X-LINKED, TYPE I. Identifiers: Orphanet 1145, MedGen C1844934, MONDO:0010532, OMIM 301830.

Submission:

Neuberg Centre For Genomic Medicine, NCGM
Classification: Uncertain significance for Infantile-onset X-linked spinal muscular atrophy. Review status: criteria provided, single submitter. Criteria: ACMG Guidelines, 2015. Collection method: clinical testing. Allele origin: germline. Inheritance: X-linked inheritance. Affected: yes.
Comment: The missense variant c.2897A>C (p.Asn966Thr) in UBA1 gene has not been reported previously as a pathogenic variant nor as a benign variant, to our knowledge. The p.Asn966Thr variant is novel (not in any individuals) in gnomAD Exomes and 1000 Genomes. This variant has not been reported to the ClinVar database. The amino acid Asn at position 966 is changed to a Thr changing protein sequence and it might alter its composition and physico-chemical properties. The amino acid change p.Asn966Thr in UBA1 is predicted as conserved by GERP++ and PhyloP across 100 vertebrates. For these reasons, this variant has been classified as Uncertain Significance (VUS).